The following is an entry in ClinVar:

ClinVar aggregate classification (germline): Likely benign. Review status: criteria provided, multiple submitters, no conflicts (2 of 4 stars). 2 submissions from 2 submitters: Likely benign (2). Last evaluated 2025-05-05.

Conditions:
Hereditary breast ovarian cancer syndrome. Also called: Hereditary breast and ovarian cancer syndrome; Hereditary breast and ovarian cancer; BRCA1- and BRCA2-Associated Hereditary Breast and Ovarian Cancer; Hereditary breast and/or ovarian cancer syndrome; Hereditary breast and ovarian cancer syndrome (HBOC); Breast and ovarian cancer. Identifiers: Orphanet 145, MedGen C0677776, MeSH D061325, MONDO:0003582. Disease mechanism: loss of function.
Breast-ovarian cancer, familial, susceptibility to, 2 (BROVCA2). Also called: BRCA2 Hereditary Breast and Ovarian Cancer. Identifiers: Orphanet 145, MedGen C2675520, MONDO:0012933, OMIM 612555. Disease mechanism: loss of function.

Submissions (2):

Labcorp Genetics (formerly Invitae), Labcorp
Classification: Likely benign for Hereditary breast ovarian cancer syndrome. Last evaluated: 2025-05-05. Review status: criteria provided, single submitter. Criteria: Invitae Variant Classification Sherloc (09022015). Collection method: clinical testing. Allele origin: germline.

Myriad Genetics, Inc.
Classification: Likely benign for Breast-ovarian cancer, familial, susceptibility to, 2. Last evaluated: 2023-12-19. Review status: criteria provided, single submitter. Criteria: Myriad Autosomal Dominant, Autosomal Recessive and X-Linked Classification Criteria (2023). Collection method: clinical testing. Allele origin: unknown.
Comment: This variant is considered likely benign. This variant is intronic and is not expected to impact mRNA splicing.

NM_000059.4(BRCA2):c.6937+6A>T

Gene: BRCA2 (BRCA2 DNA repair associated; plus strand). Cytogenetic location: 13q13.1.
Variant type: single nucleotide variant.
Coding change: c.6937+6A>T on transcript NM_000059.4 (MANE Select); 6 bases into the intron after coding-DNA position 6937, A replaced by T.
Molecular consequence: intron variant.
Genome position (GRCh38, 1-based): chr13:32,344,659, A>T. VCF-style: chr13-32344659-A-T. GRCh37 (hg19) VCF-style: chr13-32918796-A-T.
Identifiers: ClinVar variation 1928601 (VCV001928601.6), dbSNP rs2548536090, ClinGen allele CA2580088085.